The following is an entry in ClinVar:

ClinVar aggregate classification (germline): Uncertain significance (1 of 4 stars; one submission).

Conditions:
Mucopolysaccharidosis type 1. Also called: IDUA deficiency; MPS I; Mucopolysaccharidosis Type I. Identifiers: Orphanet 579, MedGen C0023786, MONDO:0001586.

Allele frequency attached by ClinVar (database versions not stated): TOPMed below 0.00001; gnomAD 0.00001.
gnomAD v4.1: 2 of 1,612,298 alleles (0.00012%); highest among the groups gnomAD compares: African/African-American, 0.0027%; no homozygotes.

Submission:

Labcorp Genetics (formerly Invitae), Labcorp
Classification: Uncertain significance for Mucopolysaccharidosis type 1. Last evaluated: 2021-12-03. Review status: criteria provided, single submitter. Criteria: Invitae Variant Classification Sherloc (09022015). Collection method: clinical testing. Allele origin: germline.
Comment: This variant is not present in population databases (gnomAD no frequency). This sequence change replaces serine, which is neutral and polar, with phenylalanine, which is neutral and non-polar, at codon 575 of the IDUA protein (p.Ser575Phe). This variant has not been reported in the literature in individuals affected with IDUA-related conditions. Advanced modeling of protein sequence and biophysical properties (such as structural, functional, and spatial information, amino acid conservation, physicochemical variation, residue mobility, and thermodynamic stability) performed at Invitae indicates that this missense variant is expected to disrupt IDUA protein function. In summary, the available evidence is currently insufficient to determine the role of this variant in disease. Therefore, it has been classified as a Variant of Uncertain Significance.

NM_000203.5(IDUA):c.1724C>T (p.Ser575Phe)

Gene: IDUA (alpha-L-iduronidase; plus strand). Cytogenetic location: 4p16.3.
Variant type: single nucleotide variant.
Coding change: c.1724C>T on transcript NM_000203.5 (MANE Select); coding-DNA position 1724, C replaced by T.
Protein change: p.Ser575Phe; replaces serine 575 with phenylalanine.
Molecular consequence: missense variant. On other transcripts: non-coding transcript variant (1).
Genome position (GRCh38, 1-based): chr4:1,003,622, C>T. VCF-style: chr4-1003622-C-T. GRCh37 (hg19) VCF-style: chr4-997410-C-T.
Other names: c.1328C>T, p.Ser443Phe (NM_001363576.1); short protein forms S575F, S443F.
Identifiers: ClinVar variation 1984723 (VCV001984723.4), dbSNP rs1715262626, ClinGen allele CA355965288.
Genomic context (GRCh38, chr4:1,003,622, plus strand): 5'-GCGCCCTGCCCCTGACCCAAGGGCAGCTGGTTCTGGTCTGGTCGGATGAACACGTGGGCT[C>T]CAAGTGCGTGAGTGGGGCCGCCCCTCCCTCTGCCTGGTCCTAGGCAGGTCCCTGGGTCCC-3'
Protein context (NP_000194.2, residues 565-585): VLVWSDEHVG[Ser575Phe]KCLWTYEIQF